The following is an entry in ClinVar:

NM_004423.4(DVL3):c.754C>G (p.Leu252Val)

Gene: DVL3 (dishevelled segment polarity protein 3; plus strand). Cytogenetic location: 3q27.1.
Variant type: single nucleotide variant.
Coding change: c.754C>G on transcript NM_004423.4 (MANE Select); coding-DNA position 754, C replaced by G.
Protein change: p.Leu252Val; replaces leucine 252 with valine.
Molecular consequence: missense variant.
Genome position (GRCh38, 1-based): chr3:184,165,482, C>G. VCF-style: chr3-184165482-C-G. GRCh37 (hg19) VCF-style: chr3-183883270-C-G.
Other names: short protein forms L252V.
Identifiers: ClinVar variation 1520256 (VCV001520256.6), dbSNP rs2109021579, ClinGen allele CA355408390.

ClinVar aggregate classification (germline): Uncertain significance (1 of 4 stars; one submission).

Submission:

Labcorp Genetics (formerly Invitae), Labcorp
Classification: Uncertain significance. Last evaluated: 2021-09-01. Review status: criteria provided, single submitter. Criteria: Invitae Variant Classification Sherloc (09022015). Collection method: clinical testing. Allele origin: germline.
Comment: This sequence change replaces leucine with valine at codon 252 of the DVL3 protein (p.Leu252Val). The leucine residue is highly conserved and there is a small physicochemical difference between leucine and valine. This variant is not present in population databases (ExAC no frequency). This variant has not been reported in the literature in individuals affected with DVL3-related conditions. Algorithms developed to predict the effect of missense changes on protein structure and function are either unavailable or do not agree on the potential impact of this missense change (SIFT: "Deleterious"; PolyPhen-2: "Probably Damaging"; Align-GVGD: "Class C15"). In summary, the available evidence is currently insufficient to determine the role of this variant in disease. Therefore, it has been classified as a Variant of Uncertain Significance.